The following is an entry in ClinVar:

NM_199242.3(UNC13D):c.2146C>T (p.Pro716Ser)

Gene: UNC13D (unc-13 homolog D; minus strand). Cytogenetic location: 17q25.1.
Variant type: single nucleotide variant.
Coding change: c.2146C>T on transcript NM_199242.3 (MANE Select); coding-DNA position 2146, C replaced by T.
Protein change: p.Pro716Ser; replaces proline 716 with serine.
Molecular consequence: missense variant.
Genome position (GRCh38, 1-based): chr17:75,834,477, G>A on the plus strand (C>T on the coding strand, the complement: UNC13D is on the minus strand). VCF-style: chr17-75834477-G-A. GRCh37 (hg19) VCF-style: chr17-73830558-G-A.
Other names: c.2146C>T (NM_199242.2); short protein forms P716S.
Identifiers: ClinVar variation 1499017 (VCV001499017.4), dbSNP rs774476484, ClinGen allele CA8772654.
Genomic context (GRCh38, chr17:75,834,477, plus strand): 5'-GCCCCTGCTCCAGCACGGCCCCTACCCGCTGCTCCAGGGCCTCCCATGCCAGCTGGGCGG[G>A]CAACTTGCCGATCACCAGCCGCAGCTGCTCCATGTCATTCACCACCACACACAGCTGGGA-3'
Protein context (NP_954712.1, residues 706-726): EQLRLVIGKL[Pro716Ser]AQLAWEALEQ

ClinVar aggregate classification (germline): Uncertain significance. Review status: criteria provided, multiple submitters, no conflicts (2 of 4 stars). 2 submissions from 2 submitters: Uncertain significance (2). Last evaluated 2025-07-02.

Conditions:
Familial hemophagocytic lymphohistiocytosis 3 (FHL3). Also called: UNC13D-Related Familial Hemophagocytic Lymphohistiocytosis (UNC13D-fHLH). Identifiers: Orphanet 540, MedGen C1837174, MONDO:0012146, OMIM 608898.
Inborn genetic diseases. Identifiers: MedGen C0950123, MeSH D030342.

Allele frequency attached by ClinVar (database versions not stated): TOPMed 0.00002; gnomAD 0.00004; gnomAD exomes 0.00005 and 0.00006; ExAC 0.00017.
gnomAD v4.1: 78 of 1,565,954 alleles (0.005%); highest among the groups gnomAD compares: South Asian, 0.021%; no homozygotes.

Submissions (2):

Ambry Genetics
Classification: Uncertain significance for Inborn genetic diseases. Last evaluated: 2025-07-02. Review status: criteria provided, single submitter. Criteria: Ambry Variant Classification Scheme 2023. Collection method: clinical testing. Allele origin: germline.

Labcorp Genetics (formerly Invitae), Labcorp
Classification: Uncertain significance for Familial hemophagocytic lymphohistiocytosis 3. Last evaluated: 2022-09-01. Review status: criteria provided, single submitter. Criteria: Invitae Variant Classification Sherloc (09022015). Collection method: clinical testing. Allele origin: germline.
Comment: This sequence change replaces proline with serine at codon 716 of the UNC13D protein (p.Pro716Ser). The proline residue is moderately conserved and there is a moderate physicochemical difference between proline and serine. The frequency data for this variant in the population databases is considered unreliable, as metrics indicate poor data quality at this position in the gnomAD database. This variant has not been reported in the literature in individuals affected with UNC13D-related conditions. ClinVar contains an entry for this variant (Variation ID: 1499017). Algorithms developed to predict the effect of missense changes on protein structure and function are either unavailable or do not agree on the potential impact of this missense change (SIFT: "Not Available"; PolyPhen-2: "Probably Damaging"; Align-GVGD: "Not Available"). In summary, the available evidence is currently insufficient to determine the role of this variant in disease. Therefore, it has been classified as a Variant of Uncertain Significance.